The following is an entry in ClinVar:

ClinVar aggregate classification (germline): Uncertain significance. Review status: criteria provided, multiple submitters, no conflicts (2 of 4 stars). 2 submissions from 2 submitters: Uncertain significance (2). Last evaluated 2024-11-27.

Conditions:
Hereditary cancer-predisposing syndrome. Also called: Hereditary neoplastic syndrome; Neoplastic Syndromes, Hereditary; Tumor predisposition; Hereditary Cancer Syndrome. Identifiers: Orphanet 140162, MedGen C0027672, MeSH D009386, MONDO:0015356.
Hereditary nonpolyposis colorectal neoplasms. Identifiers: MedGen C0009405, MeSH D003123.

Submissions (2):

Labcorp Genetics (formerly Invitae), Labcorp
Classification: Uncertain significance for Hereditary nonpolyposis colorectal neoplasms. Last evaluated: 2024-11-27. Review status: criteria provided, single submitter. Criteria: Invitae Variant Classification Sherloc (09022015). Collection method: clinical testing. Allele origin: germline.
Comment: This sequence change replaces glycine, which is neutral and non-polar, with arginine, which is basic and polar, at codon 466 of the PMS2 protein (p.Gly466Arg). This variant is not present in population databases (gnomAD no frequency). This variant has not been reported in the literature in individuals affected with PMS2-related conditions. ClinVar contains an entry for this variant (Variation ID: 835522). Invitae Evidence Modeling incorporating data from in vitro experimental studies (internal data) indicates that this missense variant is not expected to disrupt PMS2 function with a negative predictive value of 95%. In summary, the available evidence is currently insufficient to determine the role of this variant in disease. Therefore, it has been classified as a Variant of Uncertain Significance.

Ambry Genetics
Classification: Uncertain significance for Hereditary cancer-predisposing syndrome. Last evaluated: 2024-11-23. Review status: criteria provided, single submitter. Criteria: Ambry Variant Classification Scheme 2023. Collection method: clinical testing. Allele origin: germline.
Comment: The p.G466R variant (also known as c.1396G>C), located in coding exon 11 of the PMS2 gene, results from a G to C substitution at nucleotide position 1396. The glycine at codon 466 is replaced by arginine, an amino acid with dissimilar properties. This amino acid position is conserved. In addition, this alteration is predicted to be tolerated by in silico analysis. Based on the available evidence, the clinical significance of this variant remains unclear.

NM_000535.7(PMS2):c.1396G>C (p.Gly466Arg)

Gene: PMS2 (PMS1 homolog 2, mismatch repair system component; minus strand). Cytogenetic location: 7p22.1.
Variant type: single nucleotide variant.
Coding change: c.1396G>C on transcript NM_000535.7 (MANE Select); coding-DNA position 1396, G replaced by C.
Protein change: p.Gly466Arg; replaces glycine 466 with arginine.
Molecular consequence: missense variant. On other transcripts: non-coding transcript variant (1).
Genome position (GRCh38, 1-based): chr7:5,987,369, C>G on the plus strand (G>C on the coding strand, the complement: PMS2 is on the minus strand). VCF-style: chr7-5987369-C-G. GRCh37 (hg19) VCF-style: chr7-6027000-C-G.
Other names: c.991G>C, p.Gly331Arg (NM_001322003.2, NM_001322004.2, NM_001322005.2 and 1 more transcripts); c.1240G>C, p.Gly414Arg (NM_001322006.2); c.1078G>C, p.Gly360Arg (NM_001322007.2, NM_001322008.2); c.835G>C, p.Gly279Arg (NM_001322010.2); c.463G>C, p.Gly155Arg (NM_001322011.2, NM_001322012.2); c.823G>C, p.Gly275Arg (NM_001322013.2); c.1396G>C, p.Gly466Arg (NM_001322014.2); c.1087G>C, p.Gly363Arg (NM_001322015.2); short protein forms G279R, G331R, G360R, G414R, G466R, G363R, G275R, G155R.
Identifiers: ClinVar variation 835522 (VCV000835522.11), dbSNP rs1783106566, ClinGen allele CA366742131.
Genomic context (GRCh38, chr7:5,987,369, plus strand): 5'-CCGTAGGGTCACTGGGTCCGTGACTGGAACTCACTGCCTCTTTCTGAGGTCTCAGGACGC[C>G]TTTGTCAGAGATGGCACCTGAAGTGCTAGAAGACAGCATACCCCTTTTCTGTCCTAGAGG-3'
Protein context (NP_000526.2, residues 456-476): SSTSGAISDK[Gly466Arg]VLRPQKEAVS